The following is an entry in ClinVar:

NM_001379270.1(CNGA1):c.1658C>G (p.Ala553Gly)

Genes: CNGA1 (cyclic nucleotide gated channel subunit alpha 1; minus strand), LOC101927157 (uncharacterized LOC101927157; plus strand). Cytogenetic location: 4p12.
Variant type: single nucleotide variant.
Coding change: c.1658C>G on transcript NM_001379270.1 (MANE Select); coding-DNA position 1658, C replaced by G.
Protein change: p.Ala553Gly; replaces alanine 553 with glycine.
Molecular consequence: missense variant.
Genome position (GRCh38, 1-based): chr4:47,936,824, G>C on the plus strand (C>G on the coding strand, the complement: CNGA1 is on the minus strand). VCF-style: chr4-47936824-G-C. GRCh37 (hg19) VCF-style: chr4-47938841-G-C.
Other names: c.1658C>G, p.Ala553Gly (NM_000087.5, NM_001142564.2); short protein forms A553G.
Identifiers: ClinVar variation 957754 (VCV000957754.10), dbSNP rs1171947539, ClinGen allele CA356824607.

ClinVar aggregate classification (germline): Uncertain significance. Review status: criteria provided, multiple submitters, no conflicts (2 of 4 stars). 2 submissions from 2 submitters: Uncertain significance (2). Last evaluated 2023-11-17.

Allele frequency attached by ClinVar (database versions not stated): gnomAD 0.00001; gnomAD exomes 0.00001; TOPMed 0.00001.
gnomAD v4.1: 10 of 1,613,982 alleles (0.00062%); highest among the groups gnomAD compares: Non-Finnish European, 0.00085%; no homozygotes.

Submissions (2):

Blueprint Genetics
Classification: Uncertain significance. Last evaluated: 2023-11-17. Review status: criteria provided, single submitter. Criteria: ACMG Guidelines, 2015. Collection method: clinical testing. Allele origin: germline.

Labcorp Genetics (formerly Invitae), Labcorp
Classification: Uncertain significance. Last evaluated: 2019-09-03. Review status: criteria provided, single submitter. Criteria: Invitae Variant Classification Sherloc (09022015). Collection method: clinical testing. Allele origin: germline.
Comment: Algorithms developed to predict the effect of missense changes on protein structure and function are either unavailable or do not agree on the potential impact of this missense change (SIFT: "Tolerated"; PolyPhen-2: "Probably Damaging"; Align-GVGD: "Class C0"). This variant has not been reported in the literature in individuals with CNGA1-related conditions. This variant is not present in population databases (ExAC no frequency). This sequence change replaces alanine with glycine at codon 557 of the CNGA1 protein (p.Ala557Gly). The alanine residue is highly conserved and there is a small physicochemical difference between alanine and glycine. In summary, the available evidence is currently insufficient to determine the role of this variant in disease. Therefore, it has been classified as a Variant of Uncertain Significance. Algorithms developed to predict the effect of sequence changes on RNA splicing suggest that this variant may create or strengthen a splice site, but this prediction has not been confirmed by published transcriptional studies.